The following is an entry in ClinVar:

NM_017739.4(POMGNT1):c.75G>A (p.Trp25Ter)

Gene: POMGNT1 (protein O-linked mannose N-acetylglucosaminyltransferase 1 (beta 1,2-); minus strand). Cytogenetic location: 1p34.1.
Variant type: single nucleotide variant.
Coding change: c.75G>A on transcript NM_017739.4 (MANE Select); coding-DNA position 75, G replaced by A.
Protein change: p.Trp25Ter; replaces tryptophan 25 with a stop codon.
Molecular consequence: nonsense.
Genome position (GRCh38, 1-based): chr1:46,197,747, C>T on the plus strand (G>A on the coding strand, the complement: POMGNT1 is on the minus strand). VCF-style: chr1-46197747-C-T. GRCh37 (hg19) VCF-style: chr1-46663419-C-T.
Other names: c.75G>A, p.Trp25Ter (NM_001243766.2); short protein forms W25*.
Identifiers: ClinVar variation 1453709 (VCV001453709.6), dbSNP rs1264635358, ClinGen allele CA340192789.

ClinVar aggregate classification (germline): Pathogenic (1 of 4 stars; one submission).

Conditions:
Autosomal recessive limb-girdle muscular dystrophy type 2O. Also called: Limb-Girdle Muscular Dystrophy Type 3C; MUSCULAR DYSTROPHY-DYSTROGLYCANOPATHY (LIMB-GIRDLE), TYPE C, 3; MUSCULAR DYSTROPHY-DYSTROGLYCANOPATHY, LIMB-GIRDLE, POMGNT1-RELATED. Identifiers: Orphanet 206564, MedGen C3150417, MONDO:0013161, OMIM 613157.
Muscular dystrophy-dystroglycanopathy (congenital with impaired intellectual development), type B, 3. Also called: Muscular dystrophy-dystroglycanopathy (congenital with intellectual disability), type B3; MUSCULAR DYSTROPHY, CONGENITAL, POMGNT1-RELATED. Identifiers: MedGen C3150412, MONDO:0013155, OMIM 613151.

Submission:

Labcorp Genetics (formerly Invitae), Labcorp
Classification: Pathogenic for Autosomal recessive limb-girdle muscular dystrophy type 2O; Muscular dystrophy-dystroglycanopathy (congenital with impaired intellectual development), type B, 3. Last evaluated: 2022-10-18. Review status: criteria provided, single submitter. Criteria: Invitae Variant Classification Sherloc (09022015). Collection method: clinical testing. Allele origin: germline.
Comment: This variant is not present in population databases (gnomAD no frequency). This sequence change creates a premature translational stop signal (p.Trp25*) in the POMGNT1 gene. It is expected to result in an absent or disrupted protein product. Loss-of-function variants in POMGNT1 are known to be pathogenic (PMID: 19299310, 20816175, 21447391, 26908613, 27391550). This variant has not been reported in the literature in individuals affected with POMGNT1-related conditions. For these reasons, this variant has been classified as Pathogenic. ClinVar contains an entry for this variant (Variation ID: 1453709).

Literature cited by the submitters: PubMed 19299310; PubMed 20816175; PubMed 21447391; PubMed 26908613; PubMed 27391550.